The following is an entry in ClinVar:

NM_001429.4(EP300):c.2333dup (p.Asn779fs)

Gene: EP300 (EP300 lysine acetyltransferase; plus strand). Cytogenetic location: 22q13.2.
Variant type: Duplication.
Coding change: c.2333dup on transcript NM_001429.4 (MANE Select); coding-DNA position 2333, one base duplicated (C; older notation c.2333dupC).
Protein change: p.Asn779fs; shifts the reading frame from asparagine 779.
Molecular consequence: frameshift variant.
Genome position (GRCh38, 1-based): chr22:41,149,129, C duplicated. VCF-style (leftmost placement, unchanged base first): chr22-41149128-A-AC. GRCh37 (hg19) VCF-style: chr22-41545132-A-AC.
Other names: c.2255dup, p.Asn753fs (NM_001362843.2); c.2333dupC (NM_001429.3); short protein forms N753fs, N779fs.
Identifiers: ClinVar variation 1322823 (VCV001322823.5), dbSNP rs2145736063, ClinGen allele CA1139532843.

ClinVar aggregate classification (germline): Pathogenic. Review status: criteria provided, multiple submitters, no conflicts (2 of 4 stars). 2 submissions from 2 submitters: Pathogenic (2). Last evaluated 2020-10-19.

Conditions:
Rubinstein-Taybi syndrome due to EP300 haploinsufficiency. Also called: RUBINSTEIN-TAYBI SYNDROME 2; EP300-Related Rubinstein-Taybi Syndrome. Identifiers: Orphanet 353284, Orphanet 783, MedGen C3150941, MONDO:0013364, OMIM 613684.

Submissions (2):

Victorian Clinical Genetics Services, Murdoch Childrens Research Institute
Classification: Pathogenic for Rubinstein-Taybi syndrome due to EP300 haploinsufficiency. Last evaluated: 2020-10-19. Review status: criteria provided, single submitter. Criteria: ACMG Guidelines, 2015. Collection method: clinical testing. Allele origin: germline. Inheritance: Autosomal dominant inheritance.
Comment: Based on the classification scheme VCGS_Germline_v1.3.3, this variant is classified as 5-Pathogenic. Following criteria are met: 0105 - The mechanism of disease for this gene is not clearly established. However, loss of function and dominant-negative have been suggested as possible mechanisms of disease and associated with Rubinstein-Taybi syndrome 2 (MIM#613684). (I) 0107 - This gene is associated with autosomal dominant disease. (I) 0201 - Variant is predicted to cause nonsense-mediated decay (NMD) and loss of protein (premature termination codon is located at least 54 nucleotides upstream of the final exon-exon junction). (SP) 0251 - This variant is heterozygous. (I) 0301 - Variant is absent from gnomAD (both v2 and v3). (SP) 0701 - Other NMD-predicted variants comparable to the one identified in this case have very strong previous evidence for pathogenicity (ClinVar; Decipher). (SP) 0807 - This variant has no previous evidence of pathogenicity. (I) 0905 - No published segregation evidence has been identified for this variant. (I) 1007 - No published functional evidence has been identified for this variant. (SP) Legend: (SP) - Supporting pathogenic, (I) - Information, (SB) - Supporting benign

Revvity Omics, Revvity
Classification: Pathogenic. Last evaluated: 2019-09-14. Review status: criteria provided, single submitter. Criteria: ACMG Guidelines, 2015. Collection method: clinical testing. Allele origin: germline.